The following is an entry in ClinVar:

NM_015272.5(RPGRIP1L):c.272G>A (p.Arg91Lys)

Gene: RPGRIP1L (RPGRIP1 like; minus strand). Cytogenetic location: 16q12.2.
Variant type: single nucleotide variant.
Coding change: c.272G>A on transcript NM_015272.5 (MANE Select); coding-DNA position 272, G replaced by A.
Protein change: p.Arg91Lys; replaces arginine 91 with lysine.
Molecular consequence: missense variant.
Genome position (GRCh38, 1-based): chr16:53,692,323, C>T on the plus strand (G>A on the coding strand, the complement: RPGRIP1L is on the minus strand). VCF-style: chr16-53692323-C-T. GRCh37 (hg19) VCF-style: chr16-53726235-C-T.
Other names: c.272G>A, p.Arg91Lys (NM_001127897.4, NM_001308334.3, NM_001330538.2); short protein forms R91K.
Identifiers: ClinVar variation 4997629 (VCV004997629.1).

ClinVar aggregate classification (germline): Uncertain significance (1 of 4 stars; one submission).

Conditions:
RPGRIP1L-related disorder. Also called: RPGRIP1L-related disorders; RPGRIP1L-related condition. Identifiers: MedGen CN239416.

Submission:

PreventionGenetics, part of Exact Sciences
Classification: Uncertain significance for RPGRIP1L-related condition. Last evaluated: 2025-06-22. Review status: criteria provided, single submitter. Criteria: ACMG Guidelines, 2015. Collection method: clinical testing. Allele origin: germline.
Comment: The RPGRIP1L c.272G>A variant is predicted to result in the amino acid substitution p.Arg91Lys. To our knowledge, this variant has not been reported in the literature or in a large population database (gnomAD), indicating this variant is rare. At this time, the clinical significance of this variant is uncertain due to the absence of conclusive functional and genetic evidence.